The following is an entry in ClinVar:

NM_001376256.1(CRYM):c.761C>T (p.Ala254Val)

Gene: CRYM (crystallin mu; minus strand). Cytogenetic location: 16p12.2.
Variant type: single nucleotide variant.
Coding change: c.761C>T on transcript NM_001376256.1 (MANE Select); coding-DNA position 761, C replaced by T.
Protein change: p.Ala254Val; replaces alanine 254 with valine.
Molecular consequence: missense variant.
Genome position (GRCh38, 1-based): chr16:21,262,071, G>A on the plus strand (C>T on the coding strand, the complement: CRYM is on the minus strand). VCF-style: chr16-21262071-G-A. GRCh37 (hg19) VCF-style: chr16-21273392-G-A.
Other names: c.761C>T, p.Ala254Val (NM_001888.5); short protein forms A254V.
Identifiers: ClinVar variation 179999 (VCV000179999.15), dbSNP rs727505275, ClinGen allele CA185603.
Genomic context (GRCh38, chr16:21,262,071, plus strand): 5'-CCTGACTGGGGTCAGAAGGGCCTCACCCCTGACAGCAGGACATCTCCAGACTCCTTCAGG[G>A]CAGCCTCCTGGGAATCCACGTACAGCACAGCTTCTTTCATGAGCTCATCATCCAGTTCTC-3'
Protein context (NP_001363185.1, residues 244-264): AVLYVDSQEA[Ala254Val]LKESGDVLLS

ClinVar aggregate classification (germline): Conflicting classifications of pathogenicity. Review status: criteria provided, conflicting classifications (1 of 4 stars). 5 submissions from 5 submitters: Uncertain significance (4); Likely benign (1). Last evaluated 2025-12-26.

Conditions:
CRYM-related disorder. Also called: CRYM-related condition.
Autosomal dominant nonsyndromic hearing loss 40. Also called: Deafness, autosomal dominant 40. Identifiers: Orphanet 90635, MedGen C4084708, MONDO:0014603, OMIM 616357.

Allele frequency attached by ClinVar (database versions not stated): ExAC 0.00001; gnomAD exomes 0.00001; gnomAD 0.00006 and 0.00007; TOPMed 0.00024.

Submissions (5):

PreventionGenetics, part of Exact Sciences
Classification: Uncertain significance for CRYM-related condition. Last evaluated: 2025-12-26. Review status: criteria provided, single submitter. Criteria: ACMG Guidelines, 2015. Collection method: clinical testing. Allele origin: germline.
Comment: The CRYM c.761C>T variant is predicted to result in the amino acid substitution p.Ala254Val. To our knowledge, this variant has not been reported in the literature. This variant is reported in 0.0029% of alleles in individuals of Latino descent in gnomAD. At this time, the clinical significance of this variant is uncertain due to the absence of conclusive functional and genetic evidence.

Labcorp Genetics (formerly Invitae), Labcorp
Classification: Uncertain significance. Last evaluated: 2024-11-18. Review status: criteria provided, single submitter. Criteria: Invitae Variant Classification Sherloc (09022015). Collection method: clinical testing. Allele origin: germline.
Comment: This sequence change replaces alanine, which is neutral and non-polar, with valine, which is neutral and non-polar, at codon 254 of the CRYM protein (p.Ala254Val). This variant is present in population databases (rs727505275, gnomAD no frequency). This variant has not been reported in the literature in individuals affected with CRYM-related conditions. ClinVar contains an entry for this variant (Variation ID: 179999). Invitae Evidence Modeling of protein sequence and biophysical properties (such as structural, functional, and spatial information, amino acid conservation, physicochemical variation, residue mobility, and thermodynamic stability) indicates that this missense variant is not expected to disrupt CRYM protein function with a negative predictive value of 80%. In summary, the available evidence is currently insufficient to determine the role of this variant in disease. Therefore, it has been classified as a Variant of Uncertain Significance.

GeneDx
Classification: Likely benign. Last evaluated: 2020-05-11. Review status: criteria provided, single submitter. Criteria: GeneDx Variant Classification Process June 2021. Collection method: clinical testing. Allele origin: germline. Affected: yes.
Comment: In silico analysis supports that this missense variant has a deleterious effect on protein structure/function; Has not been previously published as pathogenic or benign to our knowledge

Fulgent Genetics
Classification: Uncertain significance for Autosomal dominant nonsyndromic hearing loss 40. Last evaluated: 2018-10-31. Review status: criteria provided, single submitter. Criteria: ACMG Guidelines, 2015. Collection method: clinical testing. Allele origin: unknown.

Laboratory for Molecular Medicine, Mass General Brigham Personalized Medicine
Classification: Uncertain significance. Last evaluated: 2014-11-20. Review status: criteria provided, single submitter. Criteria: LMM Criteria. Collection method: clinical testing. Allele origin: germline. Observed: 2 variant alleles.
Comment: Variant classified as Uncertain Significance - Favor Benign. The p.Ala254Val var iant in CRYM has not been reported in any other families with hearing loss or in large population studies. Computational prediction tools and conservation analy sis suggest that this variant may impact the protein, though this information is not predictive enough to determine pathogenicity. However, the presence of this variant in an unaffected parent decreases the likelihood that it is pathogenic. In summary, while the clinical significance of the p.Ala254Val variant is unc ertain, these data suggest that it is more likely to be benign.